The following is an entry in ClinVar:

NM_015937.6(PIGT):c.794C>G (p.Ser265Cys)

Gene: PIGT (phosphatidylinositol glycan anchor biosynthesis class T; plus strand). Cytogenetic location: 20q13.12.
Variant type: single nucleotide variant.
Coding change: c.794C>G on transcript NM_015937.6 (MANE Select); coding-DNA position 794, C replaced by G.
Protein change: p.Ser265Cys; replaces serine 265 with cysteine.
Molecular consequence: missense variant. On other transcripts: non-coding transcript variant (5).
Genome position (GRCh38, 1-based): chr20:45,420,356, C>G. VCF-style: chr20-45420356-C-G. GRCh37 (hg19) VCF-style: chr20-44048996-C-G.
Other names: c.626C>G, p.Ser209Cys (NM_001184728.3); c.794C>G, p.Ser265Cys (NM_001184729.3); c.488C>G, p.Ser163Cys (NM_001184730.3); short protein forms S163C, S209C, S265C.
Identifiers: ClinVar variation 3375604 (VCV003375604.1).

ClinVar aggregate classification (germline): Uncertain significance (1 of 4 stars; one submission).

Submission:

GeneDx
Classification: Uncertain significance. Last evaluated: 2024-05-10. Review status: criteria provided, single submitter. Criteria: GeneDx Variant Classification Process June 2021. Collection method: clinical testing. Allele origin: germline. Affected: yes.
Comment: Not observed at significant frequency in large population cohorts (gnomAD); In silico analysis supports that this missense variant has a deleterious effect on protein structure/function; Has not been previously published as pathogenic or benign to our knowledge